The following is an entry in ClinVar:

ClinVar aggregate classification (germline): Uncertain significance (1 of 4 stars; one submission).

gnomAD v4.1: 2 of 1,613,860 alleles (0.00012%); highest among the groups gnomAD compares: Non-Finnish European, 0.00017%; no homozygotes.

Submission:

Labcorp Genetics (formerly Invitae), Labcorp
Classification: Uncertain significance. Last evaluated: 2024-01-22. Review status: criteria provided, single submitter. Criteria: Invitae Variant Classification Sherloc (09022015). Collection method: clinical testing. Allele origin: germline.
Comment: This sequence change replaces histidine, which is basic and polar, with asparagine, which is neutral and polar, at codon 1074 of the GRM1 protein (p.His1074Asn). This variant is not present in population databases (gnomAD no frequency). This variant has not been reported in the literature in individuals affected with GRM1-related conditions. An algorithm developed to predict the effect of missense changes on protein structure and function (PolyPhen-2) suggests that this variant is likely to be tolerated. In summary, the available evidence is currently insufficient to determine the role of this variant in disease. Therefore, it has been classified as a Variant of Uncertain Significance.

NM_001278064.2(GRM1):c.3220C>A (p.His1074Asn)

Gene: GRM1 (glutamate metabotropic receptor 1; plus strand). Cytogenetic location: 6q24.3.
Variant type: single nucleotide variant.
Coding change: c.3220C>A on transcript NM_001278064.2 (MANE Select); coding-DNA position 3220, C replaced by A.
Protein change: p.His1074Asn; replaces histidine 1074 with asparagine.
Molecular consequence: missense variant. On other transcripts: 3 prime UTR variant (3).
Genome position (GRCh38, 1-based): chr6:146,434,431, C>A. VCF-style: chr6-146434431-C-A. GRCh37 (hg19) VCF-style: chr6-146755567-C-A.
Other names: c.*584C>A (NM_001278065.2); c.*549C>A (NM_001278066.1); c.*458C>A (NM_001278067.1); short protein forms H1074N.
Identifiers: ClinVar variation 2873221 (VCV002873221.3), dbSNP rs2484166101, ClinGen allele CA366193267.